The following is an entry in ClinVar:

NM_001297.5(CNGB1):c.1955C>G (p.Thr652Ser)

Gene: CNGB1 (cyclic nucleotide gated channel subunit beta 1; minus strand). Cytogenetic location: 16q21.
Variant type: single nucleotide variant.
Coding change: c.1955C>G on transcript NM_001297.5 (MANE Select); coding-DNA position 1955, C replaced by G.
Protein change: p.Thr652Ser; replaces threonine 652 with serine.
Molecular consequence: missense variant.
Genome position (GRCh38, 1-based): chr16:57,919,101, G>C on the plus strand (C>G on the coding strand, the complement: CNGB1 is on the minus strand). VCF-style: chr16-57919101-G-C. GRCh37 (hg19) VCF-style: chr16-57953005-G-C.
Other names: c.1937C>G, p.Thr646Ser (NM_001286130.2); short protein forms T652S, T646S.
Identifiers: ClinVar variation 426882 (VCV000426882.2), dbSNP rs1085307840, ClinGen allele CA396065436.
Genomic context (GRCh38, chr16:57,919,101, plus strand): 5'-TCCAACTCTCCTGCTCTCTCATCTTACACAGTGGGAACACCCATTCCCCAGGACTCACTG[G>C]TCAGCGGGTCAATGCTCTGGGGAAACTGGTACTTCTTCCAGGGGCGGTGTTTGAACTTGC-3'
Protein context (NP_001288.3, residues 642-662): YQFPQSIDPL[Thr652Ser]NLMYVLWLFF

ClinVar aggregate classification (germline): Uncertain significance (1 of 4 stars; one submission).

Submission:

GeneDx
Classification: Uncertain significance. Last evaluated: 2017-03-29. Review status: criteria provided, single submitter. Criteria: GeneDx Variant Classification (06012015). Collection method: clinical testing. Allele origin: germline. Affected: yes.
Comment: The T652S variant in the CNGB1 gene has not been reported previously as a pathogenic variant, nor as a benign variant, to our knowledge. The T652S variant is not observed in large population cohorts (Lek et al., 2016; 1000 Genomes Consortium et al., 2015; Exome Variant Server). The T652S variant is a conservative amino acid substitution, which is not likely to impact secondary protein structure as these residues share similar properties. This substitution occurs at a position that is conserved across species. In silico analysis predicts this variant is probably damaging to the protein structure/function. We interpret T652S as a variant of uncertain significance.